The following is an entry in ClinVar:

ClinVar aggregate classification (germline): Uncertain significance (1 of 4 stars; one submission).

Submission:

Labcorp Genetics (formerly Invitae), Labcorp
Classification: Uncertain significance. Last evaluated: 2024-02-17. Review status: criteria provided, single submitter. Criteria: Invitae Variant Classification Sherloc (09022015). Collection method: clinical testing. Allele origin: germline.
Comment: This sequence change replaces methionine, which is neutral and non-polar, with lysine, which is basic and polar, at codon 139 of the CHRM2 protein (p.Met139Lys). This variant is not present in population databases (gnomAD no frequency). This variant has not been reported in the literature in individuals affected with CHRM2-related conditions. ClinVar contains an entry for this variant (Variation ID: 1415294). An algorithm developed to predict the effect of missense changes on protein structure and function (PolyPhen-2) suggests that this variant is likely to be disruptive. In summary, the available evidence is currently insufficient to determine the role of this variant in disease. Therefore, it has been classified as a Variant of Uncertain Significance.

NM_001006630.2(CHRM2):c.416T>A (p.Met139Lys)

Genes: CHRM2 (cholinergic receptor muscarinic 2; plus strand), LOC349160 (uncharacterized LOC349160; minus strand). Cytogenetic location: 7q33.
Variant type: single nucleotide variant.
Coding change: c.416T>A on transcript NM_001006630.2 (MANE Select); coding-DNA position 416, T replaced by A.
Protein change: p.Met139Lys; replaces methionine 139 with lysine.
Molecular consequence: missense variant.
Genome position (GRCh38, 1-based): chr7:137,015,281, T>A. VCF-style: chr7-137015281-T-A. GRCh37 (hg19) VCF-style: chr7-136700028-T-A.
Other names: c.416T>A, p.Met139Lys (NM_000739.3, NM_001006626.3, NM_001006627.3 and 6 more transcripts); short protein forms M139K.
Identifiers: ClinVar variation 1415294 (VCV001415294.6), dbSNP rs757844531, ClinGen allele CA369486444.